The following is an entry in ClinVar:

NM_133642.5(LARGE1):c.326G>C (p.Gly109Ala)

Gene: LARGE1 (LARGE xylosyl- and glucuronyltransferase 1; minus strand). Cytogenetic location: 22q12.3.
Variant type: single nucleotide variant.
Coding change: c.326G>C on transcript NM_133642.5 (MANE Select); coding-DNA position 326, G replaced by C.
Protein change: p.Gly109Ala; replaces glycine 109 with alanine.
Molecular consequence: missense variant.
Genome position (GRCh38, 1-based): chr22:33,650,449, C>G on the plus strand (G>C on the coding strand, the complement: LARGE1 is on the minus strand). VCF-style: chr22-33650449-C-G. GRCh37 (hg19) VCF-style: chr22-34046435-C-G.
Other names: c.326G>C, p.Gly109Ala (NM_001362949.2, NM_001362951.2, NM_001362953.2 and 7 more transcripts); short protein forms G109A.
Identifiers: ClinVar variation 1353373 (VCV001353373.5), dbSNP rs2149181937, ClinGen allele CA411546169.
Genomic context (GRCh38, chr22:33,650,449, plus strand): 5'-TGCTGCCCACACTCGGAGCTGTTGCCTGCCACGATGCCAGCCCGAAGGTTCTCGCTGTCT[C>G]CAGTGCCCTCCTCCATGGAGTAGGTCTTGGAGTGGTTGCCTCGGCGATGGGATGGGGCTC-3'
Protein context (NP_598397.1, residues 99-119): SKTYSMEEGT[Gly109Ala]DSENLRAGIV

ClinVar aggregate classification (germline): Uncertain significance (1 of 4 stars; one submission).

Conditions:
Muscular dystrophy-dystroglycanopathy type B6 (MDDGB6). Also called: MUSCULAR DYSTROPHY-DYSTROGLYCANOPATHY (CONGENITAL WITH IMPAIRED INTELLECTUAL DEVELOPMENT), TYPE B, 6; MUSCULAR DYSTROPHY, CONGENITAL, LARGE-RELATED; MUSCULAR DYSTROPHY, CONGENITAL, TYPE 1D. Identifiers: MedGen C1837229, MONDO:0012138, OMIM 608840.

Submission:

Labcorp Genetics (formerly Invitae), Labcorp
Classification: Uncertain significance for Muscular dystrophy-dystroglycanopathy type B6. Last evaluated: 2022-07-06. Review status: criteria provided, single submitter. Criteria: Invitae Variant Classification Sherloc (09022015). Collection method: clinical testing. Allele origin: germline.
Comment: This sequence change replaces glycine, which is neutral and non-polar, with alanine, which is neutral and non-polar, at codon 109 of the LARGE1 protein (p.Gly109Ala). This variant is not present in population databases (gnomAD no frequency). This variant has not been reported in the literature in individuals affected with LARGE1-related conditions. ClinVar contains an entry for this variant (Variation ID: 1353373). Algorithms developed to predict the effect of missense changes on protein structure and function are either unavailable or do not agree on the potential impact of this missense change (SIFT: "Deleterious"; PolyPhen-2: "Benign"; Align-GVGD: "Class C0"). In summary, the available evidence is currently insufficient to determine the role of this variant in disease. Therefore, it has been classified as a Variant of Uncertain Significance.